The following is an entry in ClinVar:

ClinVar aggregate classification (germline): Uncertain significance (1 of 4 stars; one submission).

Submission:

Ambry Genetics
Classification: Uncertain significance. Last evaluated: 2021-09-27. Review status: criteria provided, single submitter. Criteria: Ambry Variant Classification Scheme 2023. Collection method: clinical testing. Allele origin: germline.
Comment: The p.E1421D variant (also known as c.4263G>C), located in coding exon 4 of the ALPK2 gene, results from a G to C substitution at nucleotide position 4263. The glutamic acid at codon 1421 is replaced by aspartic acid, an amino acid with highly similar properties. This amino acid position is conserved. In addition, this alteration is predicted to be tolerated by in silico analysis. Since supporting evidence is limited at this time, the clinical significance of this alteration remains unclear.

NM_052947.4(ALPK2):c.4263G>C (p.Glu1421Asp)

Genes: ALPK2 (alpha kinase 2; minus strand), LOC126862764 (BRD4-independent group 4 enhancer GRCh37_chr18:56202574-56203773; plus strand). Cytogenetic location: 18q21.31.
Variant type: single nucleotide variant.
Coding change: c.4263G>C on transcript NM_052947.4 (MANE Select); coding-DNA position 4263, G replaced by C.
Protein change: p.Glu1421Asp; replaces glutamic acid 1421 with aspartic acid.
Molecular consequence: missense variant.
Genome position (GRCh38, 1-based): chr18:58,535,924, C>G on the plus strand (G>C on the coding strand, the complement: ALPK2 is on the minus strand). VCF-style: chr18-58535924-C-G. GRCh37 (hg19) VCF-style: chr18-56203156-C-G.
Other names: short protein forms E1421D.
Identifiers: ClinVar variation 1739191 (VCV001739191.2), dbSNP rs2518875093, ClinGen allele CA402563441.